The following is an entry in ClinVar:

ClinVar aggregate classification (germline): Uncertain significance (1 of 4 stars; one submission).

Conditions:
Hereditary pancreatitis (PCTT). Also called: PRSS1-Related Hereditary Pancreatitis; Hereditary chronic pancreatitis. Identifiers: Orphanet 676, MedGen C0238339, MONDO:0008185, OMIM 167800.

Submission:

Ambry Genetics
Classification: Uncertain significance for Hereditary pancreatitis. Last evaluated: 2024-04-27. Review status: criteria provided, single submitter. Criteria: Ambry Variant Classification Scheme 2023. Collection method: clinical testing. Allele origin: germline.
Comment: The p.A13D variant (also known as c.38C>A), located in coding exon 1 of the PRSS1 gene, results from a C to A substitution at nucleotide position 38. The alanine at codon 13 is replaced by aspartic acid, an amino acid with dissimilar properties. This amino acid position is conserved. In addition, the in silico prediction for this alteration is inconclusive. Based on the available evidence, the clinical significance of this variant remains unclear.

NM_002769.5(PRSS1):c.38C>A (p.Ala13Asp)

Genes: PRSS1 (serine protease 1; plus strand), TRB (T cell receptor beta locus; plus strand). Cytogenetic location: 7q34.
Variant type: single nucleotide variant.
Coding change: c.38C>A on transcript NM_002769.5 (MANE Select); coding-DNA position 38, C replaced by A.
Protein change: p.Ala13Asp; replaces alanine 13 with aspartic acid.
Molecular consequence: missense variant. On other transcripts: non-coding transcript variant (5).
Genome position (GRCh38, 1-based): chr7:142,749,522, C>A. VCF-style: chr7-142749522-C-A. GRCh37 (hg19) VCF-style: chr7-142457373-C-A.
Other names: short protein forms A13D.
Identifiers: ClinVar variation 3310648 (VCV003310648.1).